The following is an entry in ClinVar:

NM_020843.4(SCAPER):c.188C>T (p.Thr63Ile)

Gene: SCAPER (S-phase cyclin A associated protein in the ER; minus strand). Cytogenetic location: 15q24.3.
Variant type: single nucleotide variant.
Coding change: c.188C>T on transcript NM_020843.4 (MANE Select); coding-DNA position 188, C replaced by T.
Protein change: p.Thr63Ile; replaces threonine 63 with isoleucine.
Molecular consequence: missense variant. On other transcripts: 5 prime UTR variant (4), non-coding transcript variant (1).
Genome position (GRCh38, 1-based): chr15:76,857,816, G>A on the plus strand (C>T on the coding strand, the complement: SCAPER is on the minus strand). VCF-style: chr15-76857816-G-A. GRCh37 (hg19) VCF-style: chr15-77150157-G-A.
Other names: c.-777C>T (NM_001145923.2); c.188C>T, p.Thr63Ile (NM_001353009.2); c.-270C>T (NM_001353010.2); c.-333C>T (NM_001353011.2); c.-215C>T (NM_001353012.2); c.188C>T (NM_001353009.1); short protein forms T63I.
Identifiers: ClinVar variation 2368320 (VCV002368320.3), dbSNP rs1233264724, ClinGen allele CA393638341.

ClinVar aggregate classification (germline): Uncertain significance. Review status: criteria provided, multiple submitters, no conflicts (2 of 4 stars). 2 submissions from 2 submitters: Uncertain significance (2). Last evaluated 2026-06-10.

Conditions:
SCAPER-related disorder. Also called: SCAPER-related condition.
Inborn genetic diseases. Identifiers: MedGen C0950123, MeSH D030342.

Allele frequency attached by ClinVar (database versions not stated): gnomAD exomes below 0.00001; gnomAD 0.00001; TOPMed 0.00001.
gnomAD v4.1: 7 of 1,538,240 alleles (0.00046%); highest among the groups gnomAD compares: African/African-American, 0.0027%; no homozygotes.

Submissions (2):

PreventionGenetics, part of Exact Sciences
Classification: Uncertain significance for SCAPER-related condition. Last evaluated: 2026-06-10. Review status: criteria provided, single submitter. Criteria: ACMG Guidelines, 2015. Collection method: clinical testing. Allele origin: germline.
Comment: The SCAPER c.188C>T variant is predicted to result in the amino acid substitution p.Thr63Ile. To our knowledge, this variant has not been reported in the literature. This variant is reported in 0.0016% of alleles in individuals of European (Non-Finnish) descent in gnomAD. At this time, the clinical significance of this variant is uncertain due to the absence of conclusive functional and genetic evidence.

Ambry Genetics
Classification: Uncertain significance for Inborn genetic diseases. Last evaluated: 2021-10-19. Review status: criteria provided, single submitter. Criteria: Ambry Variant Classification Scheme 2023. Collection method: clinical testing. Allele origin: germline.